The following is an entry in ClinVar:

NM_198334.3(GANAB):c.652G>T (p.Ala218Ser)

Gene: GANAB (glucosidase II alpha subunit; minus strand). Cytogenetic location: 11q12.3.
Variant type: single nucleotide variant.
Coding change: c.652G>T on transcript NM_198334.3 (MANE Select); coding-DNA position 652, G replaced by T.
Protein change: p.Ala218Ser; replaces alanine 218 with serine.
Molecular consequence: missense variant. On other transcripts: 5 prime UTR variant (2).
Genome position (GRCh38, 1-based): chr11:62,633,250, C>A on the plus strand (G>T on the coding strand, the complement: GANAB is on the minus strand). VCF-style: chr11-62633250-C-A. GRCh37 (hg19) VCF-style: chr11-62400722-C-A.
Other names: c.376G>T, p.Ala126Ser (NM_001278192.2); c.310G>T, p.Ala104Ser (NM_001278193.2); c.361G>T, p.Ala121Ser (NM_001278194.2, NM_001329222.2, NM_001329223.2); c.-72G>T (NM_001329224.2, NM_001329225.2); c.718G>T, p.Ala240Ser (NM_198335.4); short protein forms A126S, A218S, A121S, A240S, A104S.
Identifiers: ClinVar variation 4762015 (VCV004762015.1).
Genomic context (GRCh38, chr11:62,633,250, plus strand): 5'-GCTTGCTGTCAGAGTGAGTTTTGAATGTCTCCTCCCAGGCTCCTGGCTCATCTTTCTCTG[C>A]CTTCCCCTGAGTCTCCTCTGGCTGTTAAGAAGAAAAGAGGACCACTCTCCAATCATACCA-3'
Protein context (NP_938148.1, residues 208-228): GDKPEETQGK[Ala218Ser]EKDEPGAWEE

ClinVar aggregate classification (germline): Uncertain significance (1 of 4 stars; one submission).

gnomAD v4.1: 1 of 1,613,972 alleles (0.000062%); highest among the groups gnomAD compares: African/African-American, 0.0013%; no homozygotes.

Submission:

Labcorp Genetics (formerly Invitae), Labcorp
Classification: Uncertain significance. Last evaluated: 2025-11-04. Review status: criteria provided, single submitter. Criteria: Invitae Variant Classification Sherloc (09022015). Collection method: clinical testing. Allele origin: germline.
Comment: This sequence change replaces alanine, which is neutral and non-polar, with serine, which is neutral and polar, at codon 240 of the GANAB protein (p.Ala240Ser). This variant is present in population databases (rs772252547, gnomAD 0.007%). This variant has not been reported in the literature in individuals affected with GANAB-related conditions. An algorithm developed to predict the effect of missense changes on protein structure and function (PolyPhen-2) suggests that this variant is likely to be tolerated. In summary, the available evidence is currently insufficient to determine the role of this variant in disease. Therefore, it has been classified as a Variant of Uncertain Significance.